The following is an entry in ClinVar:

NM_016507.4(CDK12):c.4207C>T (p.Leu1403Phe)

Gene: CDK12 (cyclin dependent kinase 12; plus strand). Cytogenetic location: 17q12.
Variant type: single nucleotide variant.
Coding change: c.4207C>T on transcript NM_016507.4 (MANE Select); coding-DNA position 4207, C replaced by T.
Protein change: p.Leu1403Phe; replaces leucine 1403 with phenylalanine.
Molecular consequence: missense variant.
Genome position (GRCh38, 1-based): chr17:39,531,050, C>T. VCF-style: chr17-39531050-C-T. GRCh37 (hg19) VCF-style: chr17-37687303-C-T.
Other names: c.4180C>T, p.Leu1394Phe (NM_015083.4); short protein forms L1403F, L1394F.
Identifiers: ClinVar variation 4224236 (VCV004224236.1).
Genomic context (GRCh38, chr17:39,531,050, plus strand): 5'-CTTGGGGAGTCCAGCAGTTACCAGGGCACAGGGTCAGTGCAGTTTCCAGGGGACCAGGAC[C>T]TCCGTTTTGCCAGGGTCCCCTTAGCGTTACACCCGGTGGTCGGGCAACCATTCCTGAAGG-3'
Protein context (NP_057591.2, residues 1393-1413): GSVQFPGDQD[Leu1403Phe]RFARVPLALH

ClinVar aggregate classification (germline): Uncertain significance (1 of 4 stars; one submission).

gnomAD v4.1: 3 of 1,613,224 alleles (0.00019%); highest among the groups gnomAD compares: Admixed American, 0.0017%; no homozygotes.

Submission:

Ambry Genetics
Classification: Uncertain significance. Last evaluated: 2025-06-28. Review status: criteria provided, single submitter. Criteria: Ambry Variant Classification Scheme 2023. Collection method: clinical testing. Allele origin: germline.
Comment: The p.L1403F variant (also known as c.4207C>T), located in coding exon 14 of the CDK12 gene, results from a C to T substitution at nucleotide position 4207. The leucine at codon 1403 is replaced by phenylalanine, an amino acid with highly similar properties. This amino acid position is conserved. In addition, this alteration is predicted to be tolerated by in silico analysis. Based on the available evidence, the clinical significance of this variant remains unclear.